The following is an entry in ClinVar:

ClinVar aggregate classification (germline): Likely benign (1 of 4 stars; one submission).

Conditions:
Desmosterolosis. Identifiers: Orphanet 35107, MedGen C1865596, MONDO:0011217, OMIM 602398.

Allele frequency attached by ClinVar (database versions not stated): 1000 Genomes Project 30x 0.00141; gnomAD 0.00147 and 0.00148; TOPMed 0.00187; 1000 Genomes Project 0.00200.

Submission:

Illumina Laboratory Services, Illumina
Classification: Likely benign for Desmosterolosis. Last evaluated: 2018-01-13. Review status: criteria provided, single submitter. Criteria: ICSL Variant Classification Criteria 13 December 2019. Collection method: clinical testing. Allele origin: germline.
Comment: This variant was observed in the ICSL laboratory as part of a predisposition screen in an ostensibly healthy population. It had not been previously curated by ICSL or reported in the Human Gene Mutation Database (HGMD: prior to June 1st, 2018), and was therefore a candidate for classification through an automated scoring system. Utilizing variant allele frequency, disease prevalence and penetrance estimates, and inheritance mode, an automated score was calculated to assess if this variant is too frequent to cause the disease. Based on the score and internal cut-off values, a variant classified as likely benign is not then subjected to further curation. The score for this variant resulted in a classification of likely benign for this disease.

NM_014762.4(DHCR24):c.*2554C>T

Gene: DHCR24 (24-dehydrocholesterol reductase; minus strand). Cytogenetic location: 1p32.3.
Variant type: single nucleotide variant.
Coding change: c.*2554C>T on transcript NM_014762.4 (MANE Select); 2554 bases downstream of the stop codon, C replaced by T.
Molecular consequence: 3 prime UTR variant.
Genome position (GRCh38, 1-based): chr1:54,849,679, G>A on the plus strand (C>T on the coding strand, the complement: DHCR24 is on the minus strand). VCF-style: chr1-54849679-G-A. GRCh37 (hg19) VCF-style: chr1-55315352-G-A.
Identifiers: ClinVar variation 297613 (VCV000297613.5), dbSNP rs144220338, ClinGen allele CA10611241.